The following is an entry in ClinVar:

NM_016030.6(TRAPPC12):c.1038C>G (p.Asp346Glu)

Gene: TRAPPC12 (trafficking protein particle complex subunit 12; plus strand). Cytogenetic location: 2p25.3.
Variant type: single nucleotide variant.
Coding change: c.1038C>G on transcript NM_016030.6 (MANE Select); coding-DNA position 1038, C replaced by G.
Protein change: p.Asp346Glu; replaces aspartic acid 346 with glutamic acid.
Molecular consequence: missense variant.
Genome position (GRCh38, 1-based): chr2:3,388,661, C>G. VCF-style: chr2-3388661-C-G. GRCh37 (hg19) VCF-style: chr2-3392432-C-G.
Other names: c.1038C>G, p.Asp346Glu (NM_001321102.2); short protein forms D346E.
Identifiers: ClinVar variation 4975739 (VCV004975739.1).

ClinVar aggregate classification (germline): Uncertain significance (1 of 4 stars; one submission).

gnomAD v4.1: 8 of 1,559,058 alleles (0.00051%); highest among the groups gnomAD compares: African/African-American, 0.011%; no homozygotes.

Submission:

GeneDx
Classification: Uncertain significance. Last evaluated: 2026-01-30. Review status: criteria provided, single submitter. Criteria: GeneDx Variant Classification Process June 2021. Collection method: clinical testing. Allele origin: germline.
Comment: In silico analysis suggests that this missense variant does not alter protein structure/function; Has not been previously published as pathogenic or benign to our knowledge